The following is an entry in ClinVar:

ClinVar aggregate classification (germline): Likely benign (0 of 4 stars; one submission).

Conditions:
BLTP1-related disorder. Also called: BLTP1-related condition.

Allele frequency attached by ClinVar (database versions not stated): gnomAD exomes 0.00002; ExAC 0.00007; 1000 Genomes Project 0.00020; TOPMed 0.00023; gnomAD 0.00025; 1000 Genomes Project 30x 0.00031; ESP Exome Variant Server 0.00042.
gnomAD v4.1: 64 of 1,613,872 alleles (0.004%); highest among the groups gnomAD compares: African/African-American, 0.079%; no homozygotes.

Submission:

PreventionGenetics, part of Exact Sciences
Classification: Likely benign for BLTP1-related condition. Last evaluated: 2019-05-24. Review status: no assertion criteria provided. Collection method: clinical testing. Allele origin: germline.
Comment: This variant is classified as likely benign based on ACMG/AMP sequence variant interpretation guidelines (Richards et al. 2015 PMID: 25741868, with internal and published modifications).

NM_001384125.1(BLTP1):c.9201G>A (p.Ser3067=)

Gene: BLTP1 (bridge-like lipid transfer protein family member 1; plus strand). Cytogenetic location: 4q27.
Variant type: single nucleotide variant.
Coding change: c.9201G>A on transcript NM_001384125.1 (MANE Select); coding-DNA position 9201, G replaced by A.
Protein change: p.Ser3067=; no amino-acid change (serine 3067 retained).
Molecular consequence: synonymous variant.
Genome position (GRCh38, 1-based): chr4:122,286,704, G>A. VCF-style: chr4-122286704-G-A. GRCh37 (hg19) VCF-style: chr4-123207859-G-A.
Other names: c.9201G>A, p.Ser3067= (NM_015312.4).
Identifiers: ClinVar variation 3039112 (VCV003039112.2), dbSNP rs373249253, ClinGen allele CA3067322.
Genomic context (GRCh38, chr4:122,286,704, plus strand): 5'-TAACCTTCCCCCTGTTACCATGTCAGGGAAATATATAATGGAAGAACATGATAGTTATTC[G>A]GATCAGGTGTGGAGTATAGATGAACTGCCTTCTAAACAAGGTTACTATTTACAGGGAAAT-3'
Protein context (NP_001371054.1, residues 3057-3077): KYIMEEHDSY[Ser3067=]DQVWSIDELP